The following is an entry in ClinVar:

ClinVar aggregate classification (germline): Uncertain significance. Review status: criteria provided, multiple submitters, no conflicts (2 of 4 stars). 2 submissions from 2 submitters: Uncertain significance (2). Last evaluated 2022-12-22.

Conditions:
Hypertrophic cardiomyopathy. Also called: HYPERTROPHIC MYOCARDIOPATHY. Identifiers: Orphanet 217569, MedGen C0007194, MeSH D002312, MONDO:0005045, HP:0001639.

Submissions (2):

Revvity Omics, Revvity
Classification: Uncertain significance. Last evaluated: 2022-12-22. Review status: criteria provided, single submitter. Criteria: ACMG Guidelines, 2015. Collection method: clinical testing. Allele origin: germline.

Labcorp Genetics (formerly Invitae), Labcorp
Classification: Uncertain significance for Hypertrophic cardiomyopathy. Last evaluated: 2020-08-22. Review status: criteria provided, single submitter. Criteria: Invitae Variant Classification Sherloc (09022015). Collection method: clinical testing. Allele origin: germline.
Comment: This sequence change replaces glutamic acid with aspartic acid at codon 1489 of the MYH7 protein (p.Glu1489Asp). The glutamic acid residue is highly conserved and there is a small physicochemical difference between glutamic acid and aspartic acid. This variant is not present in population databases (ExAC no frequency). This variant has not been reported in the literature in individuals with MYH7-related conditions. Algorithms developed to predict the effect of missense changes on protein structure and function are either unavailable or do not agree on the potential impact of this missense change (SIFT: "Deleterious"; PolyPhen-2: "Probably Damaging"; Align-GVGD: "Class C0"). In summary, the available evidence is currently insufficient to determine the role of this variant in disease. Therefore, it has been classified as a Variant of Uncertain Significance.

NM_000257.4(MYH7):c.4467G>C (p.Glu1489Asp)

Genes: MHRT (myosin heavy chain associated RNA transcript; plus strand), MYH7 (myosin heavy chain 7; minus strand). Cytogenetic location: 14q11.2.
Variant type: single nucleotide variant.
Coding change: c.4467G>C on transcript NM_000257.4 (MANE Select); coding-DNA position 4467, G replaced by C.
Protein change: p.Glu1489Asp; replaces glutamic acid 1489 with aspartic acid.
Molecular consequence: missense variant.
Genome position (GRCh38, 1-based): chr14:23,417,205, C>G on the plus strand (G>C on the coding strand, the complement: MYH7 is on the minus strand). VCF-style: chr14-23417205-C-G. GRCh37 (hg19) VCF-style: chr14-23886414-C-G.
Other names: short protein forms E1489D.
Identifiers: ClinVar variation 1010840 (VCV001010840.11), dbSNP rs1892253421, ClinGen allele CA389038350.